The following is an entry in ClinVar:

NM_001110556.2(FLNA):c.7430A>G (p.Gln2477Arg)

Gene: FLNA (filamin A; minus strand). Cytogenetic location: Xq28.
Variant type: single nucleotide variant.
Coding change: c.7430A>G on transcript NM_001110556.2 (MANE Select); coding-DNA position 7430, A replaced by G.
Protein change: p.Gln2477Arg; replaces glutamine 2477 with arginine.
Molecular consequence: missense variant.
Genome position (GRCh38, 1-based): chrX:154,349,771, T>C on the plus strand (A>G on the coding strand, the complement: FLNA is on the minus strand). VCF-style: chrX-154349771-T-C. GRCh37 (hg19) VCF-style: chrX-153578139-T-C.
Other names: c.7406A>G, p.Gln2469Arg (NM_001456.4); short protein forms Q2469R, Q2477R.
Identifiers: ClinVar variation 3369924 (VCV003369924.2).

ClinVar aggregate classification (germline): Conflicting classifications of pathogenicity. Review status: criteria provided, conflicting classifications (1 of 4 stars). 2 submissions from 2 submitters: Uncertain significance (1); Likely benign (1). Last evaluated 2025-06-27.

Conditions:
Melnick-Needles syndrome (MNS). Also called: Melnick-Needles Syndrome (FLNA-MNS); MELNICK-NEEDLES OSTEODYSPLASTY; OSTEODYSPLASTY OF MELNICK AND NEEDLES. Identifiers: Orphanet 2484, MedGen C0025237, MONDO:0010650, OMIM 309350.
Oto-palato-digital syndrome, type II (OPD2). Also called: Otopalatodigital Syndrome Type 2 (FLNA-OPD2); FACIOPALATOOSSEOUS SYNDROME; OPD II SYNDROME; Otopalatodigital Syndrome, Type II. Identifiers: Orphanet 669, Orphanet 90652, MedGen C1844696, MONDO:0010571, OMIM 304120.
Heterotopia, periventricular, X-linked dominant (PVNH1). Also called: PERIVENTRICULAR NODULAR HETEROTOPIA 1; X-linked periventricular heterotopia; PERIVENTRICULAR NODULAR HETEROTOPIA 4; HETEROTOPIA, PERIVENTRICULAR, 1. Identifiers: Orphanet 2149, Orphanet 82004, MedGen C1848213, MONDO:0010233, OMIM 300049.
Frontometaphyseal dysplasia (FMD1). Identifiers: Orphanet 1826, MedGen C0265293, MONDO:0015942.

Submissions (2):

Labcorp Genetics (formerly Invitae), Labcorp
Classification: Likely benign for Oto-palato-digital syndrome, type II; Heterotopia, periventricular, X-linked dominant; Frontometaphyseal dysplasia; Melnick-Needles syndrome. Last evaluated: 2025-06-27. Review status: criteria provided, single submitter. Criteria: Invitae Variant Classification Sherloc (09022015). Collection method: clinical testing. Allele origin: germline.

GeneDx
Classification: Uncertain significance. Last evaluated: 2024-02-28. Review status: criteria provided, single submitter. Criteria: GeneDx Variant Classification Process June 2021. Collection method: clinical testing. Allele origin: germline. Affected: yes.
Comment: Has not been previously published as pathogenic or benign to our knowledge; Not observed at significant frequency in large population cohorts (gnomAD); In silico analysis supports that this missense variant does not alter protein structure/function